The following is an entry in ClinVar:

ClinVar aggregate classification (germline): Uncertain significance (1 of 4 stars; one submission).

Allele frequency attached by ClinVar (database versions not stated): TOPMed below 0.00001.
gnomAD v4.1: 3 of 1,608,066 alleles (0.00019%); highest among the groups gnomAD compares: Non-Finnish European, 0.00017%; no homozygotes.

Submission:

Labcorp Genetics (formerly Invitae), Labcorp
Classification: Uncertain significance. Last evaluated: 2024-01-24. Review status: criteria provided, single submitter. Criteria: Invitae Variant Classification Sherloc (09022015). Collection method: clinical testing. Allele origin: germline.
Comment: This sequence change replaces alanine, which is neutral and non-polar, with threonine, which is neutral and polar, at codon 124 of the LIG1 protein (p.Ala124Thr). This variant also falls at the last nucleotide of exon 5, which is part of the consensus splice site for this exon. This variant is not present in population databases (gnomAD no frequency). This variant has not been reported in the literature in individuals affected with LIG1-related conditions. ClinVar contains an entry for this variant (Variation ID: 1931384). An algorithm developed to predict the effect of missense changes on protein structure and function (PolyPhen-2) suggests that this variant is likely to be disruptive. Variants that disrupt the consensus splice site are a relatively common cause of aberrant splicing (PMID: 17576681, 9536098). In summary, the available evidence is currently insufficient to determine the role of this variant in disease. Therefore, it has been classified as a Variant of Uncertain Significance.

Literature cited by the submitters: PubMed 17576681; PubMed 9536098.

NM_000234.3(LIG1):c.370G>A (p.Ala124Thr)

Gene: LIG1 (DNA ligase 1; minus strand). Cytogenetic location: 19q13.33.
Variant type: single nucleotide variant.
Coding change: c.370G>A on transcript NM_000234.3 (MANE Select); coding-DNA position 370, G replaced by A.
Protein change: p.Ala124Thr; replaces alanine 124 with threonine.
Molecular consequence: missense variant. On other transcripts: non-coding transcript variant (6).
Genome position (GRCh38, 1-based): chr19:48,157,014, C>T on the plus strand (G>A on the coding strand, the complement: LIG1 is on the minus strand). VCF-style: chr19-48157014-C-T. GRCh37 (hg19) VCF-style: chr19-48660271-C-T.
Other names: c.280G>A, p.Ala94Thr (NM_001289063.2, NM_001320971.2); c.370G>A, p.Glu124Lys (NM_001289064.2); c.370G>A, p.Ala124Thr (NM_001320970.2); short protein forms A124T, E124K, A94T.
Identifiers: ClinVar variation 1931384 (VCV001931384.5), dbSNP rs1166598278, ClinGen allele CA406658669.